The following is an entry in ClinVar:

NM_005902.4(SMAD3):c.1008del (p.Gly337fs)

Gene: SMAD3 (SMAD family member 3; plus strand). Cytogenetic location: 15q22.33.
Variant type: Deletion.
Coding change: c.1008del on transcript NM_005902.4 (MANE Select); coding-DNA position 1008, one base deleted (A; older notation c.1008delA).
Protein change: p.Gly337fs; shifts the reading frame from glycine 337.
Molecular consequence: frameshift variant.
Genome position (GRCh38, 1-based): chr15:67,184,863, A deleted. VCF-style (leftmost placement, unchanged base first): chr15-67184862-CA-C. GRCh37 (hg19) VCF-style: chr15-67477200-CA-C.
Other names: c.693del, p.Gly232fs (NM_001145102.2); c.876del, p.Gly293fs (NM_001145103.2); c.423del, p.Gly142fs (NM_001145104.2); c.1008delA, p.Gly337Glufs (NM_001407011.1); c.876delA, p.Gly293Aspfs (NM_001407012.1); c.861delA, p.Gly288Aspfs (NM_001407014.1); c.561delA, p.Gly188Aspfs (NM_001407015.1); c.693delA, p.Gly232Aspfs (NM_001407016.1); and 1 more; short protein forms G232fs, G337fs, G142fs, G293fs.
Identifiers: ClinVar variation 1791490 (VCV001791490.2), dbSNP rs2505301084, ClinGen allele CA2580089920.

ClinVar aggregate classification (germline): Pathogenic (1 of 4 stars; one submission).

Conditions:
Familial thoracic aortic aneurysm and aortic dissection (TAAD). Also called: Thoracic aortic aneurysms and dissections. Identifiers: Orphanet 91387, MedGen C4707243, MONDO:0019625.

Submission:

Ambry Genetics
Classification: Pathogenic for Familial thoracic aortic aneurysm and aortic dissection. Last evaluated: 2020-11-05. Review status: criteria provided, single submitter. Criteria: Ambry Variant Classification Scheme 2023. Collection method: clinical testing. Allele origin: germline.
Comment: The c.1008delA pathogenic mutation, located in coding exon 7 of the SMAD3 gene, results from a deletion of one nucleotide at nucleotide position 1008, causing a translational frameshift with a predicted alternate stop codon (p.G337Dfs*4). This alteration is expected to result in loss of function by premature protein truncation or nonsense-mediated mRNA decay. As such, this alteration is interpreted as a disease-causing mutation.